The following is an entry in ClinVar:

NM_133510.4(RAD51B):c.427A>T (p.Thr143Ser)

Gene: RAD51B (RAD51 paralog B; plus strand). Cytogenetic location: 14q24.1.
Variant type: single nucleotide variant.
Coding change: c.427A>T on transcript NM_133510.4 (MANE Select); coding-DNA position 427, A replaced by T.
Protein change: p.Thr143Ser; replaces threonine 143 with serine.
Molecular consequence: missense variant.
Genome position (GRCh38, 1-based): chr14:67,865,114, A>T. VCF-style: chr14-67865114-A-T. GRCh37 (hg19) VCF-style: chr14-68331831-A-T.
Other names: c.427A>T, p.Thr143Ser (NM_001321809.2, NM_001321810.2, NM_001321812.1 and 6 more transcripts); c.313A>T, p.Thr105Ser (NM_001321815.1); c.70A>T, p.Thr24Ser (NM_001321817.2); short protein forms T143S, T24S, T105S.
Identifiers: ClinVar variation 3786380 (VCV003786380.1).
Genomic context (GRCh38, chr14:67,865,114, plus strand): 5'-ATTTTGGCTACATTACCCACCAACATGGGAGGATTAGAAGGAGCTGTGGTGTACATTGAC[A>T]CAGAGTCTGCATTTAGTGCTGAAAGGTATGAGATTTTATTTTCTATTATAATGTTTTACT-3'
Protein context (NP_598194.1, residues 133-153): GLEGAVVYID[Thr143Ser]ESAFSAERLV

ClinVar aggregate classification (germline): Uncertain significance (1 of 4 stars; one submission).

Submission:

Ambry Genetics
Classification: Uncertain significance. Last evaluated: 2024-12-16. Review status: criteria provided, single submitter. Criteria: Ambry Variant Classification Scheme 2023. Collection method: clinical testing. Allele origin: germline.
Comment: The p.T143S variant (also known as c.427A>T), located in coding exon 4 of the RAD51B gene, results from an A to T substitution at nucleotide position 427. The threonine at codon 143 is replaced by serine, an amino acid with similar properties. This amino acid position is conserved. In addition, the in silico prediction for this alteration is inconclusive. Based on the available evidence, the clinical significance of this variant remains unclear.